The following is an entry in ClinVar:

NM_001098671.2(RASGRP2):c.1215G>A (p.Pro405=)

Gene: RASGRP2 (RAS guanyl releasing protein 2; minus strand). Cytogenetic location: 11q13.1.
Variant type: single nucleotide variant.
Coding change: c.1215G>A on transcript NM_001098671.2 (MANE Select); coding-DNA position 1215, G replaced by A.
Protein change: p.Pro405=; no amino-acid change (proline 405 retained).
Molecular consequence: synonymous variant.
Genome position (GRCh38, 1-based): chr11:64,735,623, C>T on the plus strand (G>A on the coding strand, the complement: RASGRP2 is on the minus strand). VCF-style: chr11-64735623-C-T. GRCh37 (hg19) VCF-style: chr11-64503095-C-T.
Other names: c.1215G>A, p.Pro405= (NM_001098670.2, NM_153819.2); c.780G>A, p.Pro260= (NM_001318398.2).
Identifiers: ClinVar variation 2641929 (VCV002641929.25), dbSNP rs758747785, ClinGen allele CA6078972.

ClinVar aggregate classification (germline): Likely benign. Review status: criteria provided, multiple submitters, no conflicts (2 of 4 stars). 2 submissions from 2 submitters: Likely benign (2). Last evaluated 2025-01-23.

Allele frequency attached by ClinVar (database versions not stated): gnomAD 0.00002; gnomAD exomes 0.00002; ExAC 0.00003; TOPMed 0.00004.
gnomAD v4.1: 28 of 1,613,702 alleles (0.0017%); highest among the groups gnomAD compares: Middle Eastern, 0.016%; no homozygotes.

Submissions (2):

Women's Health and Genetics/Laboratory Corporation of America, LabCorp
Classification: Likely benign. Last evaluated: 2025-01-23. Review status: criteria provided, single submitter. Criteria: LabCorp Variant Classification Summary - May 2015. Collection method: clinical testing. Allele origin: germline.

CeGaT Center for Human Genetics Tuebingen
Classification: Likely benign. Last evaluated: 2022-07-01. Review status: criteria provided, single submitter. Criteria: CeGaT Center For Human Genetics Tuebingen Variant Classification Criteria Version 2. Collection method: clinical testing. Allele origin: germline. Affected: yes. Observed: 1 variant allele.
Comment: RASGRP2: BP4, BP7